The following is an entry in ClinVar:

ClinVar aggregate classification (germline): Uncertain significance (1 of 4 stars; one submission).

Submission:

Labcorp Genetics (formerly Invitae), Labcorp
Classification: Uncertain significance. Last evaluated: 2025-11-11. Review status: criteria provided, single submitter. Criteria: Invitae Variant Classification Sherloc (09022015). Collection method: clinical testing. Allele origin: germline.
Comment: This sequence change replaces arginine, which is basic and polar, with histidine, which is basic and polar, at codon 236 of the SLC25A4 protein (p.Arg236His). This variant is present in population databases (rs770816416, gnomAD 0.007%). This variant has not been reported in the literature in individuals affected with SLC25A4-related conditions. Invitae Evidence Modeling of protein sequence and biophysical properties (such as structural, functional, and spatial information, amino acid conservation, physicochemical variation, residue mobility, and thermodynamic stability) indicates that this missense variant is not expected to disrupt SLC25A4 protein function with a negative predictive value of 80%. In summary, the available evidence is currently insufficient to determine the role of this variant in disease. Therefore, it has been classified as a Variant of Uncertain Significance.

NM_001151.4(SLC25A4):c.707G>A (p.Arg236His)

Gene: SLC25A4 (solute carrier family 25 member 4; plus strand). Cytogenetic location: 4q35.1.
Variant type: single nucleotide variant.
Coding change: c.707G>A on transcript NM_001151.4 (MANE Select); coding-DNA position 707, G replaced by A.
Protein change: p.Arg236His; replaces arginine 236 with histidine.
Molecular consequence: missense variant.
Genome position (GRCh38, 1-based): chr4:185,145,867, G>A. VCF-style: chr4-185145867-G-A. GRCh37 (hg19) VCF-style: chr4-186067021-G-A.
Other names: short protein forms R236H.
Identifiers: ClinVar variation 4745382 (VCV004745382.1).